The following is an entry in ClinVar:

ClinVar aggregate classification (germline): Likely benign (0 of 4 stars; one submission).

Conditions:
PLXNA4-related disorder. Also called: PLXNA4-related condition.

gnomAD v4.1: 4 of 1,613,944 alleles (0.00025%); highest among the groups gnomAD compares: African/African-American, 0.004%; no homozygotes.

Submission:

PreventionGenetics, part of Exact Sciences
Classification: Likely benign for PLXNA4-related condition. Last evaluated: 2022-05-25. Review status: no assertion criteria provided. Collection method: clinical testing. Allele origin: germline.
Comment: This variant is classified as likely benign based on ACMG/AMP sequence variant interpretation guidelines (Richards et al. 2015 PMID: 25741868, with internal and published modifications).

NM_020911.2(PLXNA4):c.5421C>T (p.Tyr1807=)

Gene: PLXNA4 (plexin A4; minus strand). Cytogenetic location: 7q32.3.
Variant type: single nucleotide variant.
Coding change: c.5421C>T on transcript NM_020911.2 (MANE Select); coding-DNA position 5421, C replaced by T.
Protein change: p.Tyr1807=; no amino-acid change (tyrosine 1807 retained).
Molecular consequence: synonymous variant.
Genome position (GRCh38, 1-based): chr7:132,140,616, G>A on the plus strand (C>T on the coding strand, the complement: PLXNA4 is on the minus strand). VCF-style: chr7-132140616-G-A. GRCh37 (hg19) VCF-style: chr7-131825375-G-A.
Other names: c.5421C>T, p.Tyr1807= (NM_001393897.1).
Identifiers: ClinVar variation 3354341 (VCV003354341.1).